The following is an entry in ClinVar:

NM_001375567.1(FOCAD):c.2276A>G (p.Tyr759Cys)

Gene: FOCAD (focadhesin; plus strand). Cytogenetic location: 9p21.3.
Variant type: single nucleotide variant.
Coding change: c.2276A>G on transcript NM_001375567.1 (MANE Select); coding-DNA position 2276, A replaced by G.
Protein change: p.Tyr759Cys; replaces tyrosine 759 with cysteine.
Molecular consequence: missense variant.
Genome position (GRCh38, 1-based): chr9:20,874,766, A>G. VCF-style: chr9-20874766-A-G. GRCh37 (hg19) VCF-style: chr9-20874765-A-G.
Other names: c.2276A>G (NM_017794.4); c.2171A>G, p.Tyr724Cys (NM_001375568.1, NM_001375570.1); c.2276A>G, p.Tyr759Cys (NM_017794.5); short protein forms Y759C, Y724C.
Identifiers: ClinVar variation 3665297 (VCV003665297.3).

ClinVar aggregate classification (germline): Uncertain significance. Review status: criteria provided, multiple submitters, no conflicts (2 of 4 stars). 2 submissions from 2 submitters: Uncertain significance (2). Last evaluated 2025-02-22.

Conditions:
FOCAD-related disorder. Also called: FOCAD-related condition.

gnomAD v4.1: 164 of 1,613,612 alleles (0.01%); highest among the groups gnomAD compares: East Asian, 0.031%; no homozygotes.

Submissions (2):

PreventionGenetics, part of Exact Sciences
Classification: Uncertain significance for FOCAD-related condition. Last evaluated: 2025-02-22. Review status: criteria provided, single submitter. Criteria: ACMG Guidelines, 2015. Collection method: clinical testing. Allele origin: germline.
Comment: The FOCAD c.2276A>G variant is predicted to result in the amino acid substitution p.Tyr759Cys. To our knowledge, this variant has not been reported in the literature. This variant is reported in 0.040% of alleles in individuals of East Asian descent in gnomAD. At the time of reporting, this variant was absent in ClinVar. At this time, the clinical significance of this variant is uncertain due to the absence of conclusive functional and genetic evidence.

Labcorp Genetics (formerly Invitae), Labcorp
Classification: Uncertain significance. Last evaluated: 2024-05-07. Review status: criteria provided, single submitter. Criteria: Invitae Variant Classification Sherloc (09022015). Collection method: clinical testing. Allele origin: germline.
Comment: This sequence change replaces tyrosine, which is neutral and polar, with cysteine, which is neutral and slightly polar, at codon 759 of the FOCAD protein (p.Tyr759Cys). This variant is present in population databases (rs200978429, gnomAD 0.04%). This variant has not been reported in the literature in individuals affected with FOCAD-related conditions. Experimental studies and prediction algorithms are not available or were not evaluated, and the functional significance of this variant is currently unknown. In summary, the available evidence is currently insufficient to determine the role of this variant in disease. Therefore, it has been classified as a Variant of Uncertain Significance.